The following is an entry in ClinVar:

NM_001242896.3(DEPDC5):c.2103A>G (p.Ala701=)

Gene: DEPDC5 (DEP domain containing 5, GATOR1 subcomplex subunit; plus strand). Cytogenetic location: 22q12.3.
Variant type: single nucleotide variant.
Coding change: c.2103A>G on transcript NM_001242896.3 (MANE Select); coding-DNA position 2103, A replaced by G.
Protein change: p.Ala701=; no amino-acid change (alanine 701 retained).
Molecular consequence: synonymous variant. On other transcripts: non-coding transcript variant (4), intron variant (3).
Genome position (GRCh38, 1-based): chr22:31,822,789, A>G. VCF-style: chr22-31822789-A-G. GRCh37 (hg19) VCF-style: chr22-32218775-A-G.
Other names: c.2103A>G, p.Ala701= (NM_001136029.4, NM_001363852.2, NM_001364318.2 and 3 more transcripts); c.2019A>G, p.Ala673= (NM_001369901.1, NM_001369902.1); c.1870+3564A>G (NM_001363854.2, NM_001242897.2, NM_001364319.2).
Identifiers: ClinVar variation 2037051 (VCV002037051.4), dbSNP rs755421452, ClinGen allele CA10196565.

ClinVar aggregate classification (germline): Uncertain significance (1 of 4 stars; one submission).

Conditions:
Familial focal epilepsy with variable foci (FPEVF). Identifiers: Orphanet 98820, MedGen C1858477, MONDO:0020310.

Allele frequency attached by ClinVar (database versions not stated): gnomAD exomes 0.00001; ExAC 0.00004.
gnomAD v4.1: 10 of 1,613,810 alleles (0.00062%); highest among the groups gnomAD compares: South Asian, 0.0099%; no homozygotes.

Submission:

Labcorp Genetics (formerly Invitae), Labcorp
Classification: Uncertain significance for Familial focal epilepsy with variable foci. Last evaluated: 2022-03-26. Review status: criteria provided, single submitter. Criteria: Invitae Variant Classification Sherloc (09022015). Collection method: clinical testing. Allele origin: germline.
Comment: This sequence change affects codon 701 of the DEPDC5 mRNA. It is a 'silent' change, meaning that it does not change the encoded amino acid sequence of the DEPDC5 protein. It affects a nucleotide within the consensus splice site. In summary, the available evidence is currently insufficient to determine the role of this variant in disease. Therefore, it has been classified as a Variant of Uncertain Significance. Algorithms developed to predict the effect of sequence changes on RNA splicing suggest that this variant may disrupt the consensus splice site. This variant has not been reported in the literature in individuals affected with DEPDC5-related conditions. This variant is present in population databases (rs755421452, gnomAD 0.02%).